The following is an entry in ClinVar:

NM_001040142.2(SCN2A):c.3843T>G (p.Ile1281Met)

Gene: SCN2A (sodium voltage-gated channel alpha subunit 2; plus strand). Cytogenetic location: 2q24.3.
Variant type: single nucleotide variant.
Coding change: c.3843T>G on transcript NM_001040142.2 (MANE Select); coding-DNA position 3843, T replaced by G.
Protein change: p.Ile1281Met; replaces isoleucine 1281 with methionine.
Molecular consequence: missense variant.
Genome position (GRCh38, 1-based): chr2:165,370,293, T>G. VCF-style: chr2-165370293-T-G. GRCh37 (hg19) VCF-style: chr2-166226803-T-G.
Other names: c.3843T>G, p.Ile1281Met (NM_001040143.2, NM_001371246.1, NM_001371247.1 and 1 more transcripts); short protein forms I1281M.
Identifiers: ClinVar variation 2948571 (VCV002948571.3), dbSNP rs2468082519, ClinGen allele CA349028508.
Genomic context (GRCh38, chr2:165,370,293, plus strand): 5'-GGTTGCATATGGTTTTCAAGTGTATTTTACCAATGCCTGGTGCTGGCTAGACTTCCTGAT[T>G]GTTGATGTGAGTATGCTGCACTTTGCTGCTTTATTCATTGGCATATATGTAATAGTTCTA-3'
Protein context (NP_001035232.1, residues 1271-1291): TNAWCWLDFL[Ile1281Met]VDVSLVSLTA

ClinVar aggregate classification (germline): Pathogenic (1 of 4 stars; one submission).

Conditions:
Seizures, benign familial infantile, 3 (BFIS3). Also called: CONVULSIONS, BENIGN FAMILIAL INFANTILE, 3; Familial neonatal seizures. Identifiers: Orphanet 140927, Orphanet 306, MedGen C1843140, MONDO:0011904, OMIM 607745.
Developmental and epileptic encephalopathy, 11 (DEE11). Also called: Early infantile epileptic encephalopathy 11. Identifiers: Orphanet 1934, MedGen C3150987, MONDO:0013388, OMIM 613721.

Submission:

Labcorp Genetics (formerly Invitae), Labcorp
Classification: Pathogenic for Seizures, benign familial infantile, 3; Developmental and epileptic encephalopathy, 11. Last evaluated: 2025-08-18. Review status: criteria provided, single submitter. Criteria: Invitae Variant Classification Sherloc (09022015). Collection method: clinical testing. Allele origin: germline.
Comment: This sequence change replaces isoleucine, which is neutral and non-polar, with methionine, which is neutral and non-polar, at codon 1281 of the SCN2A protein (p.Ile1281Met). This variant is not present in population databases (gnomAD no frequency). This missense change has been observed in individual(s) with with clinical features of SCN2A-related conditions (internal data). In at least one individual the variant was observed to be de novo. ClinVar contains an entry for this variant (Variation ID: 2948571). Invitae Evidence Modeling of protein sequence and biophysical properties (such as structural, functional, and spatial information, amino acid conservation, physicochemical variation, residue mobility, and thermodynamic stability) indicates that this missense variant is expected to disrupt SCN2A protein function with a positive predictive value of 95%. This variant disrupts the p.Ile1281 amino acid residue in SCN2A. Other variant(s) that disrupt this residue have been observed in individuals with SCN2A-related conditions (PMID: 28379373), which suggests that this may be a clinically significant amino acid residue. For these reasons, this variant has been classified as Pathogenic.

Literature cited by the submitters: PubMed 28379373.